The following is an entry in ClinVar:

NM_001080419.3(UNK):c.961C>T (p.Gln321Ter)

Gene: UNK (unk zinc finger; plus strand). Cytogenetic location: 17q25.1.
Variant type: single nucleotide variant.
Coding change: c.961C>T on transcript NM_001080419.3 (MANE Select); coding-DNA position 961, C replaced by T.
Protein change: p.Gln321Ter; replaces glutamine 321 with a stop codon.
Molecular consequence: nonsense.
Genome position (GRCh38, 1-based): chr17:75,815,253, C>T. VCF-style: chr17-75815253-C-T. GRCh37 (hg19) VCF-style: chr17-73811334-C-T.
Other names: short protein forms Q321*.
Identifiers: ClinVar variation 1331637 (VCV001331637.4), dbSNP rs2143796334, ClinGen allele CA401052154.
Genomic context (GRCh38, chr17:75,815,253, plus strand): 5'-GACATGCAGCAGTCGGGCAGCTGTCCCCGAGGACCCTTCTGCGCCTTTGCCCACGTAGAA[C>T]GTATGCTGTTCCCATTGCCCCGGGGCAGTGCCCTCTCCCACCCCTCCCTCGCCTGGCTAG-3'

ClinVar aggregate classification (germline): Uncertain significance (0 of 4 stars; one submission).

Submission:

Greenwood Genetic Center Diagnostic Laboratories, Greenwood Genetic Center
Classification: Uncertain significance. Last evaluated: 2021-01-11. Review status: no assertion criteria provided. Collection method: clinical testing. Allele origin: germline. Affected: yes.
Comment: Gene of uncertain clinical significance